The following is an entry in ClinVar:

ClinVar aggregate classification (germline): Uncertain significance (0 of 4 stars; one submission).

Conditions:
MYH10-related disorder. Also called: MYH10-related condition.

Submission:

PreventionGenetics, part of Exact Sciences
Classification: Uncertain significance for MYH10-related condition. Last evaluated: 2024-08-02. Review status: no assertion criteria provided. Collection method: clinical testing. Allele origin: germline.
Comment: The MYH10 c.5671G>A variant is predicted to result in the amino acid substitution p.Asp1891Asn. To our knowledge, this variant has not been reported in the literature or in gnomAD, indicating this variant is rare. At this time, the clinical significance of this variant is uncertain due to the absence of conclusive functional and genetic evidence.

NM_001256012.3(MYH10):c.5671G>A (p.Asp1891Asn)

Gene: MYH10 (myosin heavy chain 10; minus strand). Cytogenetic location: 17p13.1.
Variant type: single nucleotide variant.
Coding change: c.5671G>A on transcript NM_001256012.3 (MANE Select); coding-DNA position 5671, G replaced by A.
Protein change: p.Asp1891Asn; replaces aspartic acid 1891 with asparagine.
Molecular consequence: missense variant.
Genome position (GRCh38, 1-based): chr17:8,478,373, C>T on the plus strand (G>A on the coding strand, the complement: MYH10 is on the minus strand). VCF-style: chr17-8478373-C-T. GRCh37 (hg19) VCF-style: chr17-8381691-C-T.
Other names: c.5605G>A, p.Asp1869Asn (NM_001256095.2); c.5608G>A, p.Asp1870Asn (NM_001375266.1); c.5578G>A, p.Asp1860Asn (NM_005964.5); short protein forms D1860N, D1869N, D1870N, D1891N.
Identifiers: ClinVar variation 3347930 (VCV003347930.1).